The following is an entry in ClinVar:

ClinVar aggregate classification (germline): Conflicting classifications of pathogenicity. Review status: criteria provided, conflicting classifications (1 of 4 stars). 9 submissions from 9 submitters: Uncertain significance (5); Benign (1); Likely benign (2). 1 of the submissions does not count toward it. Last evaluated 2025-12-29.

Conditions:
Hereditary cancer-predisposing syndrome. Also called: Hereditary Cancer Syndrome; Hereditary neoplastic syndrome; Neoplastic Syndromes, Hereditary; Tumor predisposition. Identifiers: Orphanet 140162, MedGen C0027672, MeSH D009386, MONDO:0015356.
Hereditary breast ovarian cancer syndrome. Also called: BRCA1- and BRCA2-Associated Hereditary Breast and Ovarian Cancer; Hereditary breast and ovarian cancer syndrome; Hereditary breast and ovarian cancer syndrome (HBOC); Breast and ovarian cancer; Hereditary breast and/or ovarian cancer syndrome; Hereditary breast and ovarian cancer. Identifiers: Orphanet 145, MedGen C0677776, MeSH D061325, MONDO:0003582. Disease mechanism: loss of function.
Breast-ovarian cancer, familial, susceptibility to, 1 (BROVCA1). Also called: BRCA1 Hereditary Breast and Ovarian Cancer; OVARIAN CANCER, SUSCEPTIBILITY TO. Identifiers: Orphanet 145, MedGen C2676676, MONDO:0011450, OMIM 604370. Disease mechanism: loss of function.

Allele frequency attached by ClinVar (database versions not stated): gnomAD exomes below 0.00001.

Submissions (9):

Labcorp Genetics (formerly Invitae), Labcorp
Classification: Benign for Hereditary breast ovarian cancer syndrome. Last evaluated: 2025-12-29. Review status: criteria provided, single submitter. Criteria: Invitae Variant Classification Sherloc (09022015). Collection method: clinical testing. Allele origin: germline.

Ambry Genetics
Classification: Uncertain significance for Hereditary cancer-predisposing syndrome. Last evaluated: 2025-10-27. Review status: criteria provided, single submitter. Criteria: Ambry Variant Classification Scheme 2023. Collection method: clinical testing. Allele origin: germline.
Comment: The p.E1219K variant (also known as c.3655G>A), located in coding exon 9 of the BRCA1 gene, results from a G to A substitution at nucleotide position 3655. The glutamic acid at codon 1219 is replaced by lysine, an amino acid with similar properties. This amino acid position is highly conserved in available vertebrate species. In addition, the in silico prediction for this alteration is inconclusive. Since supporting evidence is limited at this time, the clinical significance of this alteration remains unclear.

Women's Health and Genetics/Laboratory Corporation of America, LabCorp
Classification: Uncertain significance. Last evaluated: 2025-03-27. Review status: criteria provided, single submitter. Criteria: LabCorp Variant Classification Summary - May 2015. Collection method: clinical testing. Allele origin: germline.
Comment: Variant summary: BRCA1 c.3655G>A (p.Glu1219Lys) results in a conservative amino acid change in the encoded protein sequence. Four of five in-silico tools predict a damaging effect of the variant on protein function. The variant allele was found at a frequency of 4e-06 in 251304 control chromosomes. The available data on variant occurrences in the general population are insufficient to allow any conclusion about variant significance. c.3655G>A has been reported in the literature as a VUS in at least one individual affected with breast cancer with a positive family history of cancers related to Hereditary Breast And Ovarian Cancer Syndrome, although segregation was not established (e.g. Bhai_2021). This report does not provide unequivocal conclusions about association of the variant with Hereditary Breast And Ovarian Cancer Syndrome. At least one co-occurrence with a pathogenic variant has been reported (BRCA1 c.5109T>G, p.Tyr1703X; BIC database), providing supporting evidence for a benign role. A report from the CAGI5 (fifth Critical Assessment of Genome Interpretation) challenge has classified this variant as uncertain significance/likely benign in a prediction protocol that includes assessment of the impact of this variant on splicing and protein function using four sets of predictors (Padilla_2019). To our knowledge, no experimental evidence demonstrating an impact on protein function has been reported. The following publications have been ascertained in the context of this evaluation (PMID: 34326862, 31112341). ClinVar contains an entry for this variant (Variation ID: 54956). Based on the evidence outlined above, the variant was classified as VUS-possibly benign.

Color Diagnostics, LLC DBA Color Health
Classification: Uncertain significance for Hereditary cancer-predisposing syndrome. Last evaluated: 2025-02-10. Review status: criteria provided, single submitter. Criteria: ACMG Guidelines, 2015. Collection method: clinical testing. Allele origin: germline.
Comment: This missense variant replaces glutamic acid with lysine at codon 1219 of the BRCA1 protein. Computational prediction is inconclusive regarding the impact of this variant on protein structure and function. To our knowledge, functional studies have not been reported for this variant. Multifactorial analyses have reported likelihood ratios (LR) for pathogenicity based on co-occurrence with a pathogenic variant and personal and family history, reaching a combined LR of 0.5579 for one carrier (PMID: 31131967, 31853058). This variant has been identified in 1/251304 chromosomes in the general population by the Genome Aggregation Database (gnomAD). The available evidence is insufficient to determine the role of this variant in disease conclusively. Therefore, this variant is classified as a Variant of Uncertain Significance.

All of Us Research Program, National Institutes of Health
Classification: Uncertain significance for Breast-ovarian cancer, familial, susceptibility to, 1. Last evaluated: 2023-11-02. Review status: criteria provided, single submitter. Criteria: ACMG Guidelines, 2015. Collection method: clinical testing. Allele origin: germline. Inheritance: Autosomal dominant inheritance. Observed: 1 variant allele, 1 heterozygote.
Comment: This missense variant replaces glutamic acid with lysine at codon 1219 of the BRCA1 protein. Computational prediction is inconclusive regarding the impact of this variant on protein structure and function (internally defined REVEL score threshold 0.5 < inconclusive < 0.7, PMID: 27666373). To our knowledge, functional studies have not been reported for this variant. A multifactorial analysis has reported likelihood ratios for pathogenicity based on co-occurrence with a pathogenic variant and family history of 1.1026 and 0.0753, respectively (PMID: 31131967). This variant has been identified in 1/251304 chromosomes in the general population by the Genome Aggregation Database (gnomAD). The available evidence is insufficient to determine the role of this variant in disease conclusively. Therefore, this variant is classified as a Variant of Uncertain Significance.

This study involves interpretation of variants in research participants for the purpose of population health screening. Participant phenotype was not available at the time of variant classification. Additional details can be found in publication PMID: 35346344, PMCID: PMC8962531

University of Washington Department of Laboratory Medicine, University of Washington
Classification: Likely benign for Hereditary cancer-predisposing syndrome. Last evaluated: 2023-03-23. Review status: criteria provided, single submitter. Criteria: Dines et al. (Genet Med. 2020). Collection method: curation. Allele origin: germline.
Comment: Missense variant in a coldspot region where missense variants are very unlikely to be pathogenic (PMID:31911673).

BRCA1 coldspot (exon 11 using historical exon numbering). Reclassification based on statistical prior probability

Quest Diagnostics Nichols Institute San Juan Capistrano
Classification: Uncertain significance. Last evaluated: 2023-01-03. Review status: criteria provided, single submitter. Criteria: Quest Diagnostics criteria. Collection method: clinical testing. Allele origin: unknown.
Comment: The frequency of this variant in the general population, 0.000004 (1/251304 chromosomes), is uninformative in assessment of its pathogenicity. In the published literature, the variant has been reported as a variant of uncertain significance (PMID: 16267036 (2005)). Additionally, studies utilizing prediction models to assess the variant have reported it both as likely benign (PMID: 31131967 (2019)) and as deleterious (PMIDs: 15385441 (2004) and 23704879 (2013)). Analysis of this variant using bioinformatics tools for the prediction of the effect of amino acid changes on protein structure and function yielded predictions that this variant is benign. Based on the available information, we are unable to determine the clinical significance of this variant.

GeneDx
Classification: Likely benign. Last evaluated: 2021-04-12. Review status: criteria provided, single submitter. Criteria: GeneDx Variant Classification Process June 2021. Collection method: clinical testing. Allele origin: germline. Affected: yes.
Comment: This variant is associated with the following publications: (PMID: 31131967, 23704879, 15385441)

Breast Cancer Information Core (BIC) (BRCA1)
Classification: Uncertain significance for Breast-ovarian cancer, familial 1. Last evaluated: 2004-02-20. Review status: no assertion criteria provided. Collection method: clinical testing. Allele origin: germline. Affected: yes. Observed: 1 variant allele. Not counted in ClinVar's aggregate classification.

Literature cited by the submitters: PubMed 15385441 (cited by Ambry Genetics and Quest Diagnostics Nichols Institute San Juan Capistrano); PubMed 16267036 (cited by Ambry Genetics and Quest Diagnostics Nichols Institute San Juan Capistrano); PubMed 31131967 (cited by 4 submitters); PubMed 31112341 (cited by Women's Health and Genetics/Laboratory Corporation of America, LabCorp); PubMed 34326862 (cited by Women's Health and Genetics/Laboratory Corporation of America, LabCorp); PubMed 31853058 (cited by Color Diagnostics, LLC DBA Color Health); PubMed 23704879 (cited by Quest Diagnostics Nichols Institute San Juan Capistrano).

NM_007294.4(BRCA1):c.3655G>A (p.Glu1219Lys)

Genes: BRCA1 (BRCA1 DNA repair associated; minus strand), LOC126862571 (BRD4-independent group 4 enhancer GRCh37_chr17:41243136-41244335; plus strand). Cytogenetic location: 17q21.31.
Variant type: single nucleotide variant.
Coding change: c.3655G>A on transcript NM_007294.4 (MANE Select); coding-DNA position 3655, G replaced by A.
Protein change: p.Glu1219Lys; replaces glutamic acid 1219 with lysine.
Molecular consequence: missense variant. On other transcripts: intron variant (135).
Genome position (GRCh38, 1-based): chr17:43,091,876, C>T on the plus strand (G>A on the coding strand, the complement: BRCA1 is on the minus strand). VCF-style: chr17-43091876-C-T. GRCh37 (hg19) VCF-style: chr17-41243893-C-T.
Other names: c.3514G>A, p.Glu1172Lys (NM_001407728.1, NM_001407729.1, NM_001407730.1 and 29 more transcripts); c.3511G>A, p.Glu1171Lys (NM_001407740.1, NM_001407741.1, NM_001407742.1 and 20 more transcripts); c.3442G>A, p.Glu1148Lys (NM_001407853.1, NM_001407894.1, NM_001407895.1 and 9 more transcripts); c.3655G>A, p.Glu1219Lys (NM_001407854.1, NM_001407858.1, NM_001407859.1 and 30 more transcripts); c.3652G>A, p.Glu1218Lys (NM_001407860.1, NM_001407861.1, NM_001407610.1 and 22 more transcripts); c.3454G>A, p.Glu1152Lys (NM_001407862.1); c.3532G>A, p.Glu1178Lys (NM_001407863.1, NM_001407919.1, NM_001407937.1 and 19 more transcripts); c.3451G>A, p.Glu1151Lys (NM_001407874.1, NM_001407875.1); and 41 more; short protein forms E1219K, E1172K, E1051K, E1130K, E1151K, E1152K, E1193K, E923K.
Identifiers: ClinVar variation 54956 (VCV000054956.23), dbSNP rs80356921, ClinGen allele CA002341.